The following is an entry in ClinVar:

NM_001369268.1(ACAN):c.1975C>T (p.Gln659Ter)

Gene: ACAN (aggrecan; plus strand). Cytogenetic location: 15q26.1.
Variant type: single nucleotide variant.
Coding change: c.1975C>T on transcript NM_001369268.1 (MANE Select); coding-DNA position 1975, C replaced by T.
Protein change: p.Gln659Ter; replaces glutamine 659 with a stop codon.
Molecular consequence: nonsense.
Genome position (GRCh38, 1-based): chr15:88,849,680, C>T. VCF-style: chr15-88849680-C-T. GRCh37 (hg19) VCF-style: chr15-89392911-C-T.
Other names: c.1975C>T, p.Gln659Ter (NM_001135.4, NM_001411096.1, NM_001411097.1 and 1 more transcripts); short protein forms Q659*.
Identifiers: ClinVar variation 2662984 (VCV002662984.2), dbSNP rs181923062, ClinGen allele CA393712491.

ClinVar aggregate classification (germline): Pathogenic. Review status: criteria provided, multiple submitters, no conflicts (2 of 4 stars). 2 submissions from 2 submitters: Pathogenic (2). Last evaluated 2025-03-16.

Submissions (2):

Labcorp Genetics (formerly Invitae), Labcorp
Classification: Pathogenic. Last evaluated: 2025-03-16. Review status: criteria provided, single submitter. Criteria: Invitae Variant Classification Sherloc (09022015). Collection method: clinical testing. Allele origin: germline.
Comment: This sequence change creates a premature translational stop signal (p.Gln659*) in the ACAN gene. It is expected to result in an absent or disrupted protein product. Loss-of-function variants in ACAN are known to be pathogenic (PMID: 16080123, 24762113). This variant is not present in population databases (gnomAD no frequency). This variant has not been reported in the literature in individuals affected with ACAN-related conditions. ClinVar contains an entry for this variant (Variation ID: 2662984). Algorithms developed to predict the effect of sequence changes on RNA splicing suggest that this variant may disrupt the consensus splice site. For these reasons, this variant has been classified as Pathogenic.

GeneDx
Classification: Pathogenic. Last evaluated: 2023-05-09. Review status: criteria provided, single submitter. Criteria: GeneDx Variant Classification Process June 2021. Collection method: clinical testing. Allele origin: germline. Affected: yes.
Comment: Nonsense variant predicted to result in protein truncation or nonsense mediated decay in a gene for which loss of function is a known mechanism of disease; Not observed at significant frequency in large population cohorts (gnomAD); Has not been previously published as pathogenic or benign to our knowledge

Literature cited by the submitters: PubMed 16080123 (cited by Labcorp Genetics (formerly Invitae), Labcorp); PubMed 24762113 (cited by Labcorp Genetics (formerly Invitae), Labcorp).